The following is an entry in ClinVar:

NM_000553.6(WRN):c.764C>G (p.Thr255Ser)

Gene: WRN (WRN RecQ like helicase; plus strand). Cytogenetic location: 8p12.
Variant type: single nucleotide variant.
Coding change: c.764C>G on transcript NM_000553.6 (MANE Select); coding-DNA position 764, C replaced by G.
Protein change: p.Thr255Ser; replaces threonine 255 with serine.
Molecular consequence: missense variant.
Genome position (GRCh38, 1-based): chr8:31,076,212, C>G. VCF-style: chr8-31076212-C-G. GRCh37 (hg19) VCF-style: chr8-30933728-C-G.
Other names: short protein forms T255S.
Identifiers: ClinVar variation 2979966 (VCV002979966.3), dbSNP rs2535901941, ClinGen allele CA370918450.

ClinVar aggregate classification (germline): Uncertain significance (1 of 4 stars; one submission).

Conditions:
Werner syndrome (WRN). Identifiers: Orphanet 902, MedGen C0043119, MONDO:0010196, OMIM 277700.

gnomAD v4.1: 3 of 1,613,850 alleles (0.00019%); highest among the groups gnomAD compares: Non-Finnish European, 0.00025%; no homozygotes.

Submission:

Labcorp Genetics (formerly Invitae), Labcorp
Classification: Uncertain significance for Werner syndrome. Last evaluated: 2022-11-09. Review status: criteria provided, single submitter. Criteria: Invitae Variant Classification Sherloc (09022015). Collection method: clinical testing. Allele origin: germline.
Comment: This sequence change replaces threonine, which is neutral and polar, with serine, which is neutral and polar, at codon 255 of the WRN protein (p.Thr255Ser). This variant is not present in population databases (gnomAD no frequency). This variant has not been reported in the literature in individuals affected with WRN-related conditions. Algorithms developed to predict the effect of missense changes on protein structure and function are either unavailable or do not agree on the potential impact of this missense change (SIFT: "Not Available"; PolyPhen-2: "Benign"; Align-GVGD: "Not Available"). In summary, the available evidence is currently insufficient to determine the role of this variant in disease. Therefore, it has been classified as a Variant of Uncertain Significance.